The following is an entry in ClinVar:

NM_014946.4(SPAST):c.532C>T (p.Gln178Ter)

Gene: SPAST (spastin; plus strand). Cytogenetic location: 2p22.3.
Variant type: single nucleotide variant.
Coding change: c.532C>T on transcript NM_014946.4 (MANE Select); coding-DNA position 532, C replaced by T.
Protein change: p.Gln178Ter; replaces glutamine 178 with a stop codon.
Molecular consequence: nonsense.
Genome position (GRCh38, 1-based): chr2:32,089,551, C>T. VCF-style: chr2-32089551-C-T. GRCh37 (hg19) VCF-style: chr2-32314620-C-T.
Other names: c.529C>T, p.Gln177Ter (NM_001363823.2, NM_001363875.2); c.532C>T, p.Gln178Ter (NM_001377959.1, NM_199436.2); short protein forms Q177*, Q178*.
Identifiers: ClinVar variation 1703877 (VCV001703877.1), dbSNP rs1677628649, ClinGen allele CA346603486.
Genomic context (GRCh38, chr2:32,089,551, plus strand): 5'-GTAGATATTTTAATTAATTTTTTTCTTTCAGGTGAACAGTGTGAAAGAGCTAGACGCCTT[C>T]AAGCTAAAATGATGACTAATTTGGTTATGGCCAAGGACCGCTTACAACTTCTAGGTATCA-3'

ClinVar aggregate classification (germline): Pathogenic (1 of 4 stars; one submission).

Conditions:
Hereditary spastic paraplegia 4. Also called: Spastic Paraplegia 4; Spastic paraplegia 4, autosomal dominant; Familial spastic paraplegia autosomal dominant 2. Identifiers: Orphanet 100985, MedGen C1866855, MONDO:0008438, OMIM 182601.

Allele frequency attached by ClinVar (database versions not stated): gnomAD 0.00001.
gnomAD v4.1: 1 of 1,605,226 alleles (0.000062%); highest among the groups gnomAD compares: African/African-American, 0.0013%; no homozygotes.

Submission:

Concord Molecular Medicine Laboratory, Concord Repatriation General Hospital
Classification: Pathogenic for Hereditary spastic paraplegia 4. Last evaluated: 2022-09-05. Review status: criteria provided, single submitter. Criteria: ACMG Guidelines, 2015. Collection method: clinical testing. Allele origin: maternal. Inheritance: Autosomal dominant inheritance. Affected: yes.
Comment: This nonsense substitution has been detected in 3 affected family members with hereditary spastic paraplegia. It is found at an extremely low frequency in population database (gnomAD).